The following is an entry in ClinVar:

ClinVar aggregate classification (germline): Uncertain significance (1 of 4 stars; one submission).

Conditions:
Inborn genetic diseases. Identifiers: MedGen C0950123, MeSH D030342.

Submission:

Ambry Genetics
Classification: Uncertain significance for Inborn genetic diseases. Last evaluated: 2023-12-14. Review status: criteria provided, single submitter. Criteria: Ambry Variant Classification Scheme 2023. Collection method: clinical testing. Allele origin: germline.
Comment: The p.A32S variant (also known as c.94G>T), located in coding exon 2 of the MDH2 gene, results from a G to T substitution at nucleotide position 94. The alanine at codon 32 is replaced by serine, an amino acid with similar properties. This amino acid position is conserved. In addition, the in silico prediction for this alteration is inconclusive. Since supporting evidence is limited at this time, the clinical significance of this alteration remains unclear.

NM_005918.4(MDH2):c.94G>T (p.Ala32Ser)

Gene: MDH2 (malate dehydrogenase 2; plus strand). Cytogenetic location: 7q11.23.
Variant type: single nucleotide variant.
Coding change: c.94G>T on transcript NM_005918.4 (MANE Select); coding-DNA position 94, G replaced by T.
Protein change: p.Ala32Ser; replaces alanine 32 with serine.
Molecular consequence: missense variant. On other transcripts: intron variant (1).
Genome position (GRCh38, 1-based): chr7:76,054,857, G>T. VCF-style: chr7-76054857-G-T. GRCh37 (hg19) VCF-style: chr7-75684175-G-T.
Other names: c.94G>T, p.Ala32Ser (NM_001282403.2); c.-86-2553G>T (NM_001282404.2); short protein forms A32S.
Identifiers: ClinVar variation 3225224 (VCV003225224.1), dbSNP rs2535852599, ClinGen allele CA367762146.
Genomic context (GRCh38, chr7:76,054,857, plus strand): 5'-TCCTAAGAGTCCTTTCTCTGTGCCTCTTTTTAGAACAATGCTAAAGTAGCTGTGCTAGGG[G>T]CCTCTGGAGGCATCGGGCAGCCACTTTCACTTCTCCTGAAGAACAGCCCCTTGGTGAGCC-3'
Protein context (NP_005909.2, residues 22-42): QNNAKVAVLG[Ala32Ser]SGGIGQPLSL